The following is an entry in ClinVar:

NM_020529.3(NFKBIA):c.273G>A (p.Met91Ile)

Gene: NFKBIA (NFKB inhibitor alpha; minus strand). Cytogenetic location: 14q13.2.
Variant type: single nucleotide variant.
Coding change: c.273G>A on transcript NM_020529.3 (MANE Select); coding-DNA position 273, G replaced by A.
Protein change: p.Met91Ile; replaces methionine 91 with isoleucine.
Molecular consequence: missense variant.
Genome position (GRCh38, 1-based): chr14:35,403,753, C>T on the plus strand (G>A on the coding strand, the complement: NFKBIA is on the minus strand). VCF-style: chr14-35403753-C-T. GRCh37 (hg19) VCF-style: chr14-35872959-C-T.
Other names: short protein forms M91I.
Identifiers: ClinVar variation 3373483 (VCV003373483.1).

ClinVar aggregate classification (germline): Uncertain significance (1 of 4 stars; one submission).

Submission:

GeneDx
Classification: Uncertain significance. Last evaluated: 2024-03-07. Review status: criteria provided, single submitter. Criteria: GeneDx Variant Classification Process June 2021. Collection method: clinical testing. Allele origin: germline. Affected: yes.
Comment: Not observed at significant frequency in large population cohorts (gnomAD); In silico analysis supports that this missense variant does not alter protein structure/function; Has not been previously published as pathogenic or benign to our knowledge